The following is an entry in ClinVar:

ClinVar aggregate classification (germline): Likely pathogenic. Review status: criteria provided, multiple submitters, no conflicts (2 of 4 stars). 2 submissions from 2 submitters: Likely pathogenic (2). Last evaluated 2024-09-29.

Conditions:
Jeune thoracic dystrophy. Also called: Jeune syndrome; Infantile thoracic dystrophy; Thoracic pelvic phalangeal dystrophy; Jeune's syndrome; Chondroectodermal dysplasia-like syndrome; Short-rib thoracic dysplasia. Identifiers: Orphanet 474, MedGen C0265275, MONDO:0018770.
DYNC2H1-related disorder. Also called: DYNC2H1-related condition; DYNC2H1-related disorders. Identifiers: MedGen CN378770.

Submissions (2):

Labcorp Genetics (formerly Invitae), Labcorp
Classification: Likely pathogenic for Jeune thoracic dystrophy. Last evaluated: 2024-09-29. Review status: criteria provided, single submitter. Criteria: Invitae Variant Classification Sherloc (09022015). Collection method: clinical testing. Allele origin: germline.
Comment: This sequence change affects a donor splice site in intron 71 of the DYNC2H1 gene. It is expected to disrupt RNA splicing. Variants that disrupt the donor or acceptor splice site typically lead to a loss of protein function (PMID: 16199547), and loss-of-function variants in DYNC2H1 are known to be pathogenic (PMID: 23339108, 32753734, 33755199). This variant is not present in population databases (gnomAD no frequency). This variant has not been reported in the literature in individuals affected with DYNC2H1-related conditions. Algorithms developed to predict the effect of sequence changes on RNA splicing suggest that this variant may disrupt the consensus splice site. In summary, the currently available evidence indicates that the variant is pathogenic, but additional data are needed to prove that conclusively. Therefore, this variant has been classified as Likely Pathogenic.

Blueprint Genetics
Classification: Likely pathogenic for DYNC2H1-related disorders. Last evaluated: 2021-05-11. Review status: criteria provided, single submitter. Criteria: ACMG Guidelines, 2015. Collection method: clinical testing. Allele origin: germline. Affected: yes. Observed: 1 variant allele.

Literature cited by the submitters: PubMed 16199547 (cited by Labcorp Genetics (formerly Invitae), Labcorp); PubMed 23339108 (cited by Labcorp Genetics (formerly Invitae), Labcorp); PubMed 32753734 (cited by Labcorp Genetics (formerly Invitae), Labcorp); PubMed 33755199 (cited by Labcorp Genetics (formerly Invitae), Labcorp).

NM_001377.3(DYNC2H1):c.10695+1G>A

Gene: DYNC2H1 (dynein cytoplasmic 2 heavy chain 1; plus strand). Cytogenetic location: 11q22.3.
Variant type: single nucleotide variant.
Coding change: c.10695+1G>A on transcript NM_001377.3 (MANE Select); the canonical splice donor site of the intron after coding-DNA position 10695, G replaced by A.
Molecular consequence: splice donor variant.
Genome position (GRCh38, 1-based): chr11:103,259,978, G>A. VCF-style: chr11-103259978-G-A. GRCh37 (hg19) VCF-style: chr11-103130707-G-A.
Other names: c.10716+1G>A (NM_001080463.2).
Identifiers: ClinVar variation 3665097 (VCV003665097.3).